The following is an entry in ClinVar:

ClinVar aggregate classification (germline): Likely benign. Review status: criteria provided, multiple submitters, no conflicts (2 of 4 stars). 2 submissions from 2 submitters: Likely benign (2). Last evaluated 2026-08-01.

Conditions:
Fanconi anemia (FA). Also called: Fanconi's anemia. Identifiers: Orphanet 84, MedGen C0015625, MeSH D005199, MONDO:0019391.

Allele frequency attached by ClinVar (database versions not stated): TOPMed 0.00003; gnomAD 0.00004; gnomAD exomes 0.00004 and 0.00008; ExAC 0.00012.

Submissions (2):

CeGaT Center for Human Genetics Tuebingen
Classification: Likely benign. Last evaluated: 2026-08-01. Review status: criteria provided, single submitter. Criteria: CeGaT Center For Human Genetics Tuebingen Variant Classification Criteria Version 2. Collection method: clinical testing. Allele origin: germline. Affected: yes. Observed: 1 variant allele.
Comment: SLX4: BP4, BP7

Labcorp Genetics (formerly Invitae), Labcorp
Classification: Likely benign for Fanconi anemia. Last evaluated: 2023-05-31. Review status: criteria provided, single submitter. Criteria: Invitae Variant Classification Sherloc (09022015). Collection method: clinical testing. Allele origin: germline.

NM_032444.4(SLX4):c.2046C>T (p.Gly682=)

Gene: SLX4 (SLX4 structure-specific endonuclease subunit; minus strand). Cytogenetic location: 16p13.3.
Variant type: single nucleotide variant.
Coding change: c.2046C>T on transcript NM_032444.4 (MANE Select); coding-DNA position 2046, C replaced by T.
Protein change: p.Gly682=; no amino-acid change (glycine 682 retained).
Molecular consequence: synonymous variant.
Genome position (GRCh38, 1-based): chr16:3,594,567, G>A on the plus strand (C>T on the coding strand, the complement: SLX4 is on the minus strand). VCF-style: chr16-3594567-G-A. GRCh37 (hg19) VCF-style: chr16-3644568-G-A.
Identifiers: ClinVar variation 1126219 (VCV001126219.10), dbSNP rs762708132, ClinGen allele CA7866306.
Genomic context (GRCh38, chr16:3,594,567, plus strand): 5'-CACCTCCCCGCTGTCCGTCTGAAACTGGACATCACTCAGGTGTGGGTTATTGACCATGGC[G>A]CCAAAGTCAGCAACCAGCAGCCCGAGGGAGAGCTGAAGCAGGAGGAGAGGAAGAGCCGTC-3'
Protein context (NP_115820.2, residues 672-692): LSLGLLVADF[Gly682=]AMVNNPHLSD